The following is an entry in ClinVar:

NM_000046.5(ARSB):c.523T>G (p.Tyr175Asp)

Gene: ARSB (arylsulfatase B; minus strand). Cytogenetic location: 5q14.1.
Variant type: single nucleotide variant.
Coding change: c.523T>G on transcript NM_000046.5 (MANE Select); coding-DNA position 523, T replaced by G.
Protein change: p.Tyr175Asp; replaces tyrosine 175 with aspartic acid.
Molecular consequence: missense variant.
Genome position (GRCh38, 1-based): chr5:78,964,583, A>C on the plus strand (T>G on the coding strand, the complement: ARSB is on the minus strand). VCF-style: chr5-78964583-A-C. GRCh37 (hg19) VCF-style: chr5-78260406-A-C.
Other names: c.523T>G, p.Tyr175Asp (NM_198709.3); short protein forms Y175D.
Identifiers: ClinVar variation 559795 (VCV000559795.1), dbSNP rs748739839, ClinGen allele CA121104287.

ClinVar aggregate classification (germline): Uncertain significance (1 of 4 stars; one submission).

Conditions:
Mucopolysaccharidosis type 6 (MPS6). Also called: N-ACETYLGALACTOSAMINE-4-SULFATASE DEFICIENCY; MPS VI; MPS 6; Maroteaux Lamy syndrome; ARSB DEFICIENCY; ARYLSULFATASE B DEFICIENCY. Identifiers: Orphanet 583, MedGen C0026709, MONDO:0009661, OMIM 253200.

Submission:

Laboratory of Diagnosis and Therapy of Lysosomal Disorders, University of Padova
Classification: Uncertain significance for Mucopolysaccharidosis type 6. Last evaluated: 2018-01-01. Review status: criteria provided, single submitter. Criteria: ACMG Guidelines, 2015. Collection method: curation. Allele origin: germline. Affected: yes.
Comment: Absent from GnomAD (PM2)

Literature cited by the submitters: PubMed 25190157; PubMed 30118150.